The following is an entry in ClinVar:

ClinVar aggregate classification (germline): Conflicting classifications of pathogenicity. Review status: criteria provided, conflicting classifications (1 of 4 stars). 2 submissions from 2 submitters: Uncertain significance (1); Likely benign (1). Last evaluated 2023-10-19.

Conditions:
Hereditary cancer-predisposing syndrome. Also called: Hereditary neoplastic syndrome; Tumor predisposition; Hereditary Cancer Syndrome; Neoplastic Syndromes, Hereditary. Identifiers: Orphanet 140162, MedGen C0027672, MeSH D009386, MONDO:0015356.
DICER1-related tumor predisposition. Also called: DICER1 syndrome; DICER1-related pleuropulmonary blastoma cancer predisposition syndrome. Identifiers: Orphanet 284343, MedGen C3839822, MONDO:0100216.

Allele frequency attached by ClinVar (database versions not stated): gnomAD exomes 0.00001; gnomAD 0.00007 and 0.00008; TOPMed 0.00007.

Submissions (2):

Labcorp Genetics (formerly Invitae), Labcorp
Classification: Uncertain significance for DICER1-related tumor predisposition. Last evaluated: 2023-10-19. Review status: criteria provided, single submitter. Criteria: Invitae Variant Classification Sherloc (09022015). Collection method: clinical testing. Allele origin: germline.
Comment: This sequence change replaces aspartic acid, which is acidic and polar, with glutamic acid, which is acidic and polar, at codon 1266 of the DICER1 protein (p.Asp1266Glu). This variant is present in population databases (no rsID available, gnomAD 0.006%). This variant has not been reported in the literature in individuals affected with DICER1-related conditions. ClinVar contains an entry for this variant (Variation ID: 576580). Algorithms developed to predict the effect of missense changes on protein structure and function output the following: SIFT: "Not Available"; PolyPhen-2: "Benign"; Align-GVGD: "Not Available". The glutamic acid amino acid residue is found in multiple mammalian species, which suggests that this missense change does not adversely affect protein function. In summary, the available evidence is currently insufficient to determine the role of this variant in disease. Therefore, it has been classified as a Variant of Uncertain Significance.

Ambry Genetics
Classification: Likely benign for Hereditary cancer-predisposing syndrome. Last evaluated: 2021-11-01. Review status: criteria provided, single submitter. Criteria: Ambry Variant Classification Scheme 2023. Collection method: clinical testing. Allele origin: germline.

NM_177438.3(DICER1):c.3798C>G (p.Asp1266Glu)

Gene: DICER1 (dicer 1, ribonuclease III; minus strand). Cytogenetic location: 14q32.13.
Variant type: single nucleotide variant.
Coding change: c.3798C>G on transcript NM_177438.3 (MANE Select); coding-DNA position 3798, C replaced by G.
Protein change: p.Asp1266Glu; replaces aspartic acid 1266 with glutamic acid.
Molecular consequence: missense variant.
Genome position (GRCh38, 1-based): chr14:95,103,598, G>C on the plus strand (C>G on the coding strand, the complement: DICER1 is on the minus strand). VCF-style: chr14-95103598-G-C. GRCh37 (hg19) VCF-style: chr14-95569935-G-C.
Other names: c.3798C>G, p.Asp1266Glu (NM_001195573.1, NM_001271282.3, NM_001291628.2 and 1 more transcripts); short protein forms D1266E.
Identifiers: ClinVar variation 576580 (VCV000576580.13), dbSNP rs1183908844, ClinGen allele CA390873425.
Genomic context (GRCh38, chr14:95,103,598, plus strand): 5'-GGAGTACCCAATAGAAGGGCTCTGCTCAGAATCCATCCTGCCCTTGAGCACTTGAATAGT[G>C]TCTGTCGTACCAGGCATTACGGCCATCACAGGACTTCCATCTGAGGTAGATTTGTTAGCA-3'
Protein context (NP_803187.1, residues 1256-1276): PVMAVMPGTT[Asp1266Glu]TIQVLKGRMD